The following is an entry in ClinVar:

NM_174934.4(SCN4B):c.464-243T>C

Gene: SCN4B (sodium voltage-gated channel beta subunit 4; minus strand). Cytogenetic location: 11q23.3.
Variant type: single nucleotide variant.
Coding change: c.464-243T>C on transcript NM_174934.4 (MANE Select); 243 bases into the intron before coding-DNA position 464, T replaced by C.
Molecular consequence: intron variant.
Genome position (GRCh38, 1-based): chr11:118,141,579, A>G on the plus strand (T>C on the coding strand, the complement: SCN4B is on the minus strand). VCF-style: chr11-118141579-A-G. GRCh37 (hg19) VCF-style: chr11-118012294-A-G.
Other names: c.62-243T>C (NM_001142348.2); c.134-243T>C (NM_001142349.2).
Identifiers: ClinVar variation 679873 (VCV000679873.2), dbSNP rs12269828, ClinGen allele CA229487449.
Genomic context (GRCh38, chr11:118,141,579, plus strand): 5'-CATCTATCAGGCTAGGGCACACATAAGGGGCCCTCTCCCCCACCCTGCACATGCCCTCCC[A>G]CAGATGCACTCACACGAGTTCTGGAATAAATCAGAATTGGAGCCTATAACACTCAAGTTT-3'

ClinVar aggregate classification (germline): Benign. Review status: criteria provided, multiple submitters, no conflicts (2 of 4 stars). 2 submissions from 2 submitters: Benign (2). Last evaluated 2018-06-16.

Allele frequency attached by ClinVar (database versions not stated): gnomAD exomes 0.00328; gnomAD 0.02640 and 0.02825; 1000 Genomes Project 0.03015; TOPMed 0.03041; 1000 Genomes Project 30x 0.03045.

Submissions (2):

GeneDx
Classification: Benign. Last evaluated: 2018-06-16. Review status: criteria provided, single submitter. Criteria: GeneDx Variant Classification (06012015). Collection method: clinical testing. Allele origin: germline. Affected: yes.
Comment: This variant is considered likely benign or benign based on one or more of the following criteria: it is a conservative change, it occurs at a poorly conserved position in the protein, it is predicted to be benign by multiple in silico algorithms, and/or has population frequency not consistent with disease.

Breakthrough Genomics
Classification: Benign. Review status: criteria provided, single submitter. Criteria: ACMG Guidelines, 2015. Collection method: not provided. Allele origin: germline. Inheritance: Autosomal dominant inheritance. Affected: yes.